The following is an entry in ClinVar:

ClinVar aggregate classification (germline): Uncertain significance (1 of 4 stars; one submission).

Conditions:
Inborn genetic diseases. Identifiers: MedGen C0950123, MeSH D030342.

gnomAD v4.1: 2 of 1,614,070 alleles (0.00012%); highest among the groups gnomAD compares: Non-Finnish European, 0.00017%; no homozygotes.

Submission:

Ambry Genetics
Classification: Uncertain significance for Inborn genetic diseases. Last evaluated: 2022-01-26. Review status: criteria provided, single submitter. Criteria: Ambry Variant Classification Scheme 2023. Collection method: clinical testing. Allele origin: germline.
Comment: The p.A553E variant (also known as c.1658C>A), located in coding exon 12 of the EPAS1 gene, results from a C to A substitution at nucleotide position 1658. The alanine at codon 553 is replaced by glutamic acid, an amino acid with dissimilar properties. This amino acid position is conserved. In addition, this alteration is predicted to be tolerated by in silico analysis. Since supporting evidence is limited at this time, the clinical significance of this alteration remains unclear.

NM_001430.5(EPAS1):c.1658C>A (p.Ala553Glu)

Gene: EPAS1 (endothelial PAS domain protein 1; plus strand). Cytogenetic location: 2p21.
Variant type: single nucleotide variant.
Coding change: c.1658C>A on transcript NM_001430.5 (MANE Select); coding-DNA position 1658, C replaced by A.
Protein change: p.Ala553Glu; replaces alanine 553 with glutamic acid.
Molecular consequence: missense variant.
Genome position (GRCh38, 1-based): chr2:46,380,330, C>A. VCF-style: chr2-46380330-C-A. GRCh37 (hg19) VCF-style: chr2-46607469-C-A.
Other names: short protein forms A553E.
Identifiers: ClinVar variation 1777392 (VCV001777392.2), dbSNP rs201311893, ClinGen allele CA346704604.